The following is an entry in ClinVar:

ClinVar aggregate classification (germline): Uncertain significance (1 of 4 stars; one submission).

Conditions:
Primary ciliary dyskinesia. Also called: Ciliary dyskinesia. Identifiers: Orphanet 244, MedGen C0008780, MONDO:0016575, HP:0012265.

gnomAD v4.1: 2 of 1,612,846 alleles (0.00012%); highest among the groups gnomAD compares: African/African-American, 0.0027%; no homozygotes.

Submission:

Ambry Genetics
Classification: Uncertain significance for Primary ciliary dyskinesia. Last evaluated: 2021-10-19. Review status: criteria provided, single submitter. Criteria: Ambry Variant Classification Scheme 2023. Collection method: clinical testing. Allele origin: germline.
Comment: The p.P1139Q variant (also known as c.3416C>A), located in coding exon 20 of the CCDC40 gene, results from a C to A substitution at nucleotide position 3416. The proline at codon 1139 is replaced by glutamine, an amino acid with similar properties. This amino acid position is conserved. In addition, this alteration is predicted to be tolerated by in silico analysis. Since supporting evidence is limited at this time, the clinical significance of this alteration remains unclear.

NM_017950.4(CCDC40):c.3416C>A (p.Pro1139Gln)

Gene: CCDC40 (coiled-coil domain 40 molecular ruler complex subunit; plus strand). Cytogenetic location: 17q25.3.
Variant type: single nucleotide variant.
Coding change: c.3416C>A on transcript NM_017950.4 (MANE Select); coding-DNA position 3416, C replaced by A.
Protein change: p.Pro1139Gln; replaces proline 1139 with glutamine.
Molecular consequence: missense variant.
Genome position (GRCh38, 1-based): chr17:80,099,762, C>A. VCF-style: chr17-80099762-C-A. GRCh37 (hg19) VCF-style: chr17-78073561-C-A.
Other names: short protein forms P1139Q.
Identifiers: ClinVar variation 1731213 (VCV001731213.2), dbSNP rs935581287, ClinGen allele CA294882653.